The following is an entry in ClinVar:

ClinVar aggregate classification (germline): Uncertain significance (1 of 4 stars; one submission).

Conditions:
Hereditary cancer-predisposing syndrome. Also called: Neoplastic Syndromes, Hereditary; Tumor predisposition; Hereditary Cancer Syndrome; Hereditary neoplastic syndrome. Identifiers: Orphanet 140162, MedGen C0027672, MeSH D009386, MONDO:0015356.

Submission:

Ambry Genetics
Classification: Uncertain significance for Hereditary cancer-predisposing syndrome. Last evaluated: 2021-06-29. Review status: criteria provided, single submitter. Criteria: Ambry Variant Classification Scheme 2023. Collection method: clinical testing. Allele origin: germline.
Comment: The p.Q720E variant (also known as c.2158C>G), located in coding exon 8 of the AXIN2 gene, results from a C to G substitution at nucleotide position 2158. The glutamine at codon 720 is replaced by glutamic acid, an amino acid with highly similar properties. This amino acid position is conserved. In addition, this alteration is predicted to be tolerated by in silico analysis. Since supporting evidence is limited at this time, the clinical significance of this alteration remains unclear.

NM_004655.4(AXIN2):c.2158C>G (p.Gln720Glu)

Gene: AXIN2 (axin 2; minus strand). Cytogenetic location: 17q24.1.
Variant type: single nucleotide variant.
Coding change: c.2158C>G on transcript NM_004655.4 (MANE Select); coding-DNA position 2158, C replaced by G.
Protein change: p.Gln720Glu; replaces glutamine 720 with glutamic acid.
Molecular consequence: missense variant.
Genome position (GRCh38, 1-based): chr17:65,535,705, G>C on the plus strand (C>G on the coding strand, the complement: AXIN2 is on the minus strand). VCF-style: chr17-65535705-G-C. GRCh37 (hg19) VCF-style: chr17-63531823-G-C.
Other names: c.1963C>G, p.Gln655Glu (NM_001363813.1); short protein forms Q655E, Q720E.
Identifiers: ClinVar variation 1786843 (VCV001786843.2), dbSNP rs2043900792, ClinGen allele CA400675853.